The following is an entry in ClinVar:

ClinVar aggregate classification (germline): Uncertain significance (1 of 4 stars; one submission).

Allele frequency attached by ClinVar (database versions not stated): gnomAD exomes below 0.00001.
gnomAD v4.1: 1 of 1,313,412 alleles (0.000076%); highest among the groups gnomAD compares: Non-Finnish European, 0.000098%; no homozygotes.

Submission:

Labcorp Genetics (formerly Invitae), Labcorp
Classification: Uncertain significance. Last evaluated: 2023-07-17. Review status: criteria provided, single submitter. Criteria: Invitae Variant Classification Sherloc (09022015). Collection method: clinical testing. Allele origin: germline.
Comment: This variant has not been reported in the literature in individuals affected with ARL3-related conditions. In summary, the available evidence is currently insufficient to determine the role of this variant in disease. Therefore, it has been classified as a Variant of Uncertain Significance. Variants that disrupt the consensus splice site are a relatively common cause of aberrant splicing (PMID: 17576681, 9536098). Algorithms developed to predict the effect of sequence changes on RNA splicing suggest that this variant may disrupt the consensus splice site. ClinVar contains an entry for this variant (Variation ID: 1515502). This variant is not present in population databases (gnomAD no frequency). This sequence change falls in intron 1 of the ARL3 gene. It does not directly change the encoded amino acid sequence of the ARL3 protein. It affects a nucleotide within the consensus splice site.

Literature cited by the submitters: PubMed 17576681; PubMed 9536098.

NM_004311.4(ARL3):c.3+5G>A

Gene: ARL3 (ARF like GTPase 3; minus strand). Cytogenetic location: 10q24.32.
Variant type: single nucleotide variant.
Coding change: c.3+5G>A on transcript NM_004311.4 (MANE Select); 5 bases into the intron after coding-DNA position 3, G replaced by A.
Molecular consequence: intron variant.
Genome position (GRCh38, 1-based): chr10:102,714,268, C>T on the plus strand (G>A on the coding strand, the complement: ARL3 is on the minus strand). VCF-style: chr10-102714268-C-T. GRCh37 (hg19) VCF-style: chr10-104474025-C-T.
Identifiers: ClinVar variation 1515502 (VCV001515502.6), dbSNP rs2136014978, ClinGen allele CA2573145500.